The following is an entry in ClinVar:

NM_004795.4(KL):c.1204G>T (p.Asp402Tyr)

Gene: KL (klotho; plus strand). Cytogenetic location: 13q13.1.
Variant type: single nucleotide variant.
Coding change: c.1204G>T on transcript NM_004795.4 (MANE Select); coding-DNA position 1204, G replaced by T.
Protein change: p.Asp402Tyr; replaces aspartic acid 402 with tyrosine.
Molecular consequence: missense variant.
Genome position (GRCh38, 1-based): chr13:33,054,151, G>T. VCF-style: chr13-33054151-G-T. GRCh37 (hg19) VCF-style: chr13-33628288-G-T.
Other names: short protein forms D402Y.
Identifiers: ClinVar variation 2764701 (VCV002764701.3), dbSNP rs1163141135, ClinGen allele CA387791331.

ClinVar aggregate classification (germline): Uncertain significance (1 of 4 stars; one submission).

Submission:

Labcorp Genetics (formerly Invitae), Labcorp
Classification: Uncertain significance. Last evaluated: 2023-12-21. Review status: criteria provided, single submitter. Criteria: Invitae Variant Classification Sherloc (09022015). Collection method: clinical testing. Allele origin: germline.
Comment: This sequence change replaces aspartic acid, which is acidic and polar, with tyrosine, which is neutral and polar, at codon 402 of the KL protein (p.Asp402Tyr). This variant is not present in population databases (gnomAD no frequency). This variant has not been reported in the literature in individuals affected with KL-related conditions. Advanced modeling of protein sequence and biophysical properties (such as structural, functional, and spatial information, amino acid conservation, physicochemical variation, residue mobility, and thermodynamic stability) performed at Invitae indicates that this missense variant is not expected to disrupt KL protein function with a negative predictive value of 80%. In summary, the available evidence is currently insufficient to determine the role of this variant in disease. Therefore, it has been classified as a Variant of Uncertain Significance.